The following is an entry in ClinVar:

NM_080916.3(DGUOK):c.427T>C (p.Ser143Pro)

Gene: DGUOK (deoxyguanosine kinase; plus strand). Cytogenetic location: 2p13.1.
Variant type: single nucleotide variant.
Coding change: c.427T>C on transcript NM_080916.3 (MANE Select); coding-DNA position 427, T replaced by C.
Protein change: p.Ser143Pro; replaces serine 143 with proline.
Molecular consequence: missense variant. On other transcripts: non-coding transcript variant (4), splice donor variant (3).
Genome position (GRCh38, 1-based): chr2:73,946,890, T>C. VCF-style: chr2-73946890-T-C. GRCh37 (hg19) VCF-style: chr2-74174017-T-C.
Other names: c.134+2T>C (NM_001318863.1, NM_001318862.2, NM_001318863.2); c.136T>C, p.Ser46Pro (NM_001318860.2, NM_001318861.2); c.427T>C, p.Ser143Pro (NM_080918.3); c.425+2T>C (NM_001318859.2); short protein forms S143P, S46P.
Identifiers: ClinVar variation 4278153 (VCV004278153.2).
Genomic context (GRCh38, chr2:73,946,890, plus strand): 5'-CTGGAGCCCTTCCCTGAGAAACTCTTACAGGCCAGGAAGCCAGTACAGATCTTTGAGAGG[T>C]CTGTGTACAGTGACAGGTAAAATGCCAAGCCCTCCACCAGTCACAAGCCCCATGCTCAGT-3'
Protein context (NP_550438.1, residues 133-153): ARKPVQIFER[Ser143Pro]VYSDRYIFAK

ClinVar aggregate classification (germline): Uncertain significance. Review status: criteria provided, multiple submitters, no conflicts (2 of 4 stars). 2 submissions from 2 submitters: Uncertain significance (2). Last evaluated 2025-09-10.

Conditions:
DGUOK-related disorder. Also called: DGUOK-related condition.
Mitochondrial DNA depletion syndrome 3 (hepatocerebral type). Also called: Mitochondrial DNA depletion syndrome, hepatocerebral form due to DGUOK deficiency; Deoxyguanosine Kinase Deficiency; MITOCHONDRIAL DNA DEPLETION SYNDROME 3. Identifiers: Orphanet 279934, MedGen CN074093, MONDO:0009636, OMIM 251880.

gnomAD v4.1: 1 of 1,612,526 alleles (0.000062%); highest among the groups gnomAD compares: Middle Eastern, 0.018%; no homozygotes.

Submissions (2):

Genomic Medicine Center of Excellence, King Faisal Specialist Hospital and Research Centre
Classification: Uncertain significance for Mitochondrial DNA depletion syndrome 3 (hepatocerebral type). Last evaluated: 2025-09-10. Review status: criteria provided, single submitter. Criteria: ACMG Guidelines, 2015. Collection method: clinical testing. Allele origin: germline.

PreventionGenetics, part of Exact Sciences
Classification: Uncertain significance for DGUOK-related condition. Last evaluated: 2025-04-23. Review status: criteria provided, single submitter. Criteria: ACMG Guidelines, 2015. Collection method: clinical testing. Allele origin: germline.
Comment: The DGUOK c.134+2T>C variant is predicted to disrupt the GT donor site and interfere with normal splicing. Of note, this variant is located in an exon which has two alternative splice sites and would be referred to as c.134+2T>C with transcript NM_001318863 and is predicted to impact splicing in this alternative isoform. However, detailed clinical information of this individual and functional studies of this variant were not available. This variant has not been reported in a large population database gnomAD, indicating this variant is rare. Although we suspect that this variant may be pathogenic, at this time, the clinical significance of this variant is uncertain due to the absence of conclusive functional and genetic evidence.